The following is an entry in ClinVar:

ClinVar aggregate classification (germline): Uncertain significance. Review status: criteria provided, multiple submitters, no conflicts (2 of 4 stars). 2 submissions from 2 submitters: Uncertain significance (2). Last evaluated 2022-09-26.

Conditions:
Hereditary cancer-predisposing syndrome. Also called: Hereditary neoplastic syndrome; Neoplastic Syndromes, Hereditary; Hereditary Cancer Syndrome; Tumor predisposition. Identifiers: Orphanet 140162, MedGen C0027672, MeSH D009386, MONDO:0015356.

Allele frequency attached by ClinVar (database versions not stated): gnomAD 0.00001.
gnomAD v4.1: 1 of 1,609,994 alleles (0.000062%); highest among the groups gnomAD compares: African/African-American, 0.0013%; no homozygotes.

Submissions (2):

Labcorp Genetics (formerly Invitae), Labcorp
Classification: Uncertain significance. Last evaluated: 2022-09-26. Review status: criteria provided, single submitter. Criteria: Invitae Variant Classification Sherloc (09022015). Collection method: clinical testing. Allele origin: germline.
Comment: In summary, the available evidence is currently insufficient to determine the role of this variant in disease. Therefore, it has been classified as a Variant of Uncertain Significance. Advanced modeling of protein sequence and biophysical properties (such as structural, functional, and spatial information, amino acid conservation, physicochemical variation, residue mobility, and thermodynamic stability) performed at Invitae indicates that this missense variant is not expected to disrupt HOXB13 protein function. This variant has not been reported in the literature in individuals affected with HOXB13-related conditions. This variant is present in population databases (no rsID available, gnomAD 0.01%). This sequence change replaces alanine, which is neutral and non-polar, with aspartic acid, which is acidic and polar, at codon 212 of the HOXB13 protein (p.Ala212Asp).

Ambry Genetics
Classification: Uncertain significance for Hereditary cancer-predisposing syndrome. Last evaluated: 2022-06-04. Review status: criteria provided, single submitter. Criteria: Ambry Variant Classification Scheme 2023. Collection method: clinical testing. Allele origin: germline.
Comment: The p.A212D variant (also known as c.635C>A), located in coding exon 2 of the HOXB13 gene, results from a C to A substitution at nucleotide position 635. The alanine at codon 212 is replaced by aspartic acid, an amino acid with dissimilar properties. This amino acid position is conserved. In addition, this alteration is predicted to be tolerated by in silico analysis. Since supporting evidence is limited at this time, the clinical significance of this alteration remains unclear.

NM_006361.6(HOXB13):c.635C>A (p.Ala212Asp)

Gene: HOXB13 (homeobox B13; minus strand). Cytogenetic location: 17q21.32.
Variant type: single nucleotide variant.
Coding change: c.635C>A on transcript NM_006361.6 (MANE Select); coding-DNA position 635, C replaced by A.
Protein change: p.Ala212Asp; replaces alanine 212 with aspartic acid.
Molecular consequence: missense variant.
Genome position (GRCh38, 1-based): chr17:48,727,010, G>T on the plus strand (C>A on the coding strand, the complement: HOXB13 is on the minus strand). VCF-style: chr17-48727010-G-T. GRCh37 (hg19) VCF-style: chr17-46804372-G-T.
Other names: short protein forms A212D.
Identifiers: ClinVar variation 1717178 (VCV001717178.8), dbSNP rs1183833401, ClinGen allele CA400106961.